The following is an entry in ClinVar:

ClinVar aggregate classification (germline): Likely benign. Review status: criteria provided, single submitter (1 of 4 stars). 2 submissions from 2 submitters: Likely benign (1). 1 of the submissions does not count toward it. Last evaluated 2025-12-23.

Conditions:
ALPL-related disorder. Also called: ALPL-related condition; ALPL-related disorders.

Allele frequency attached by ClinVar (database versions not stated): gnomAD 0.00001; TOPMed 0.00002; gnomAD exomes 0.00004 and 0.00008; ExAC 0.00005.
gnomAD v4.1: 113 of 1,610,036 alleles (0.007%); highest among the groups gnomAD compares: Non-Finnish European, 0.0093%; no homozygotes.

Submissions (2):

Labcorp Genetics (formerly Invitae), Labcorp
Classification: Likely benign. Last evaluated: 2025-12-23. Review status: criteria provided, single submitter. Criteria: Invitae Variant Classification Sherloc (09022015). Collection method: clinical testing. Allele origin: germline.

PreventionGenetics, part of Exact Sciences
Classification: Likely benign for ALPL-related condition. Last evaluated: 2019-11-09. Review status: no assertion criteria provided. Collection method: clinical testing. Allele origin: germline. Not counted in ClinVar's aggregate classification.
Comment: This variant is classified as likely benign based on ACMG/AMP sequence variant interpretation guidelines (Richards et al. 2015 PMID: 25741868, with internal and published modifications).

NM_000478.6(ALPL):c.1404G>A (p.Ala468=)

Gene: ALPL (alkaline phosphatase, biomineralization associated; plus strand). Cytogenetic location: 1p36.12.
Variant type: single nucleotide variant.
Coding change: c.1404G>A on transcript NM_000478.6 (MANE Select); coding-DNA position 1404, G replaced by A.
Protein change: p.Ala468=; no amino-acid change (alanine 468 retained).
Molecular consequence: synonymous variant.
Genome position (GRCh38, 1-based): chr1:21,577,477, G>A. VCF-style: chr1-21577477-G-A. GRCh37 (hg19) VCF-style: chr1-21903970-G-A.
Other names: c.1239G>A, p.Ala413= (NM_001127501.4); c.1173G>A, p.Ala391= (NM_001177520.3); c.1404G>A, p.Ala468= (NM_001369803.2, NM_001369804.2, NM_001369805.2).
Identifiers: ClinVar variation 256228 (VCV000256228.13), dbSNP rs774384124, ClinGen allele CA666843.